The following is an entry in ClinVar:

ClinVar aggregate classification (germline): Pathogenic/Likely pathogenic. Review status: criteria provided, multiple submitters, no conflicts (2 of 4 stars). 5 submissions from 5 submitters: Pathogenic (2); Likely pathogenic (3). Last evaluated 2024-12-02.

Conditions:
Steroid-resistant nephrotic syndrome. Identifiers: MedGen C0403397, MONDO:0044765, HP:0012588.
Nephrotic syndrome, type 2 (NPHS2). Also called: NEPHROTIC SYNDROME, STEROID-RESISTANT, AUTOSOMAL RECESSIVE. Identifiers: Orphanet 656, MedGen C1868672, MONDO:0010974, OMIM 600995.

Submissions (5):

Natera, Inc.
Classification: Likely pathogenic for Steroid-resistant nephrotic syndrome. Last evaluated: 2024-12-02. Review status: criteria provided, single submitter. Criteria: Natera Variant Classification Schema (03/2026). Collection method: clinical testing. Allele origin: germline.
Comment: The c.452delG variant in NPHS2 is a frameshift variant predicted to shift the reading frame beginning at codon 151 and leads to a stop codon 30 codons downstream. This variant is expected to result in nonsense mediated decay, truncation, or a dysfunctional protein product. This variant is rare in the general population with a frequency below the threshold expected for the associated phenotype(s). Given the available evidence, this variant is classified as Likely Pathogenic.

Baylor Genetics
Classification: Pathogenic for Nephrotic syndrome, type 2. Last evaluated: 2024-02-19. Review status: criteria provided, single submitter. Criteria: ACMG Guidelines, 2015. Collection method: clinical testing. Allele origin: unknown.

Labcorp Genetics (formerly Invitae), Labcorp
Classification: Pathogenic. Last evaluated: 2023-12-13. Review status: criteria provided, single submitter. Criteria: Invitae Variant Classification Sherloc (09022015). Collection method: clinical testing. Allele origin: germline.
Comment: This sequence change creates a premature translational stop signal (p.Gly151Valfs*30) in the NPHS2 gene. It is expected to result in an absent or disrupted protein product. Loss-of-function variants in NPHS2 are known to be pathogenic (PMID: 10742096, 14701729, 15253708, 23595123). This variant is present in population databases (no rsID available, gnomAD 0.007%). This variant has not been reported in the literature in individuals affected with NPHS2-related conditions. ClinVar contains an entry for this variant (Variation ID: 996286). Algorithms developed to predict the effect of sequence changes on RNA splicing suggest that this variant may disrupt the consensus splice site. For these reasons, this variant has been classified as Pathogenic.

Genome-Nilou Lab
Classification: Likely pathogenic for Nephrotic syndrome, type 2. Last evaluated: 2023-04-11. Review status: criteria provided, single submitter. Criteria: ACMG Guidelines, 2015. Collection method: clinical testing. Allele origin: germline. Affected: no.

Women's Health and Genetics/Laboratory Corporation of America, LabCorp
Classification: Likely pathogenic for Idiopathic nephrotic syndrome. Last evaluated: 2021-01-29. Review status: criteria provided, single submitter. Criteria: LabCorp Variant Classification Summary - May 2015. Collection method: clinical testing. Allele origin: germline.
Comment: Variant summary: NPHS2 c.452delG (p.Gly151ValfsX30) results in a premature termination codon, predicted to cause a truncation of the encoded protein or absence of the protein due to nonsense mediated decay, which are commonly known mechanisms for disease. Truncations downstream of this position have been classified as pathogenic by our laboratory. The variant was absent in 193618 control chromosomes. To our knowledge, no occurrence of c.452delG in individuals affected with Nephrotic Syndrome and no experimental evidence demonstrating its impact on protein function have been reported. No clinical diagnostic laboratories have submitted clinical-significance assessments for this variant to ClinVar after 2014. Based on the evidence outlined above, the variant was classified as likely pathogenic.

Literature cited by the submitters: PubMed 10742096 (cited by Labcorp Genetics (formerly Invitae), Labcorp); PubMed 14701729 (cited by Labcorp Genetics (formerly Invitae), Labcorp); PubMed 15253708 (cited by Labcorp Genetics (formerly Invitae), Labcorp); PubMed 23595123 (cited by Labcorp Genetics (formerly Invitae), Labcorp).

NM_014625.4(NPHS2):c.452del

Gene: NPHS2 (NPHS2 stomatin family member, podocin; minus strand). Cytogenetic location: 1q25.2.
Variant type: Deletion.
Coding change: c.452del on transcript NM_014625.4 (MANE Select); coding-DNA position 452, one base deleted (G; older notation c.452delG).
Molecular consequence: splice acceptor variant.
Genome position (GRCh38, 1-based): chr1:179,559,761, C deleted on the plus strand (G on the coding strand, the reverse complement: NPHS2 is on the minus strand); the first of 2 consecutive C bases (chr1:179,559,761-179,559,762); deleting either gives the same sequence. VCF-style (leftmost placement, unchanged base first): chr1-179559760-AC-A. GRCh37 (hg19) VCF-style: chr1-179528895-AC-A.
Identifiers: ClinVar variation 996286 (VCV000996286.11), dbSNP rs1250670041, ClinGen allele CA422025964.
Genomic context (GRCh38, chr1:179,559,760, plus strand): 5'-AGTTTGGAGACGAAGGTCAACCTTGTGGTAGGTATCCAGGCAGGGCAAAAAAAAGAAAAG[AC>A]CTAAAAGAGAGGAGGAGGAAGTGACAGATAAATAGCTAGCATGAAGGCTGTTTGGGTTTC-3'